The following is an entry in ClinVar:

NM_181552.4(CUX1):c.2961A>G (p.Pro987=)

Gene: CUX1 (cut like homeobox 1; plus strand). Cytogenetic location: 7q22.1.
Variant type: single nucleotide variant.
Coding change: c.2961A>G on transcript NM_181552.4 (MANE Select); coding-DNA position 2961, A replaced by G.
Protein change: p.Pro987=; no amino-acid change (proline 987 retained).
Molecular consequence: synonymous variant. On other transcripts: intron variant (5).
Genome position (GRCh38, 1-based): chr7:102,204,444, A>G. VCF-style: chr7-102204444-A-G. GRCh37 (hg19) VCF-style: chr7-101847724-A-G.
Other names: c.2994A>G, p.Pro998= (NM_001202543.2); c.1255+8841A>G (NM_001913.5); c.1249+8841A>G (NM_181500.4); c.1117+8841A>G (NM_001202545.3); c.1207+8841A>G (NM_001202544.3); c.1138+8841A>G (NM_001202546.3).
Identifiers: ClinVar variation 4085720 (VCV004085720.8).

ClinVar aggregate classification (germline): Likely benign (1 of 4 stars; one submission).

Submission:

CeGaT Center for Human Genetics Tuebingen
Classification: Likely benign. Last evaluated: 2025-08-01. Review status: criteria provided, single submitter. Criteria: CeGaT Center For Human Genetics Tuebingen Variant Classification Criteria Version 2. Collection method: clinical testing. Allele origin: germline. Affected: yes. Observed: 1 variant allele.
Comment: CUX1: PM2:Supporting, BP4, BP7